The following is an entry in ClinVar:

ClinVar aggregate classification (germline): Uncertain significance (1 of 4 stars; one submission).

Conditions:
RASopathy. Also called: rasopathies; Noonan spectrum disorder. Identifiers: Orphanet 536391, MedGen C5555857, MONDO:0021060.

gnomAD v4.1: 1 of 1,612,310 alleles (0.000062%); highest among the groups gnomAD compares: East Asian, 0.0022%; no homozygotes.

Submission:

Labcorp Genetics (formerly Invitae), Labcorp
Classification: Uncertain significance for RASopathy. Last evaluated: 2025-03-24. Review status: criteria provided, single submitter. Criteria: Invitae Variant Classification Sherloc (09022015). Collection method: clinical testing. Allele origin: germline.
Comment: This sequence change replaces isoleucine, which is neutral and non-polar, with threonine, which is neutral and polar, at codon 476 of the PTPN11 protein (p.Ile476Thr). This variant is present in population databases (no rsID available, gnomAD 0.006%). This variant has not been reported in the literature in individuals affected with PTPN11-related conditions. Invitae Evidence Modeling of protein sequence and biophysical properties (such as structural, functional, and spatial information, amino acid conservation, physicochemical variation, residue mobility, and thermodynamic stability) has been performed for this missense variant. However, the output from this modeling did not meet the statistical confidence thresholds required to predict the impact of this variant on PTPN11 protein function. In summary, the available evidence is currently insufficient to determine the role of this variant in disease. Therefore, it has been classified as a Variant of Uncertain Significance.

NM_002834.5(PTPN11):c.1427T>C (p.Ile476Thr)

Gene: PTPN11 (protein tyrosine phosphatase non-receptor type 11; plus strand). Cytogenetic location: 12q24.13.
Variant type: single nucleotide variant.
Coding change: c.1427T>C on transcript NM_002834.5 (MANE Select); coding-DNA position 1427, T replaced by C.
Protein change: p.Ile476Thr; replaces isoleucine 476 with threonine.
Molecular consequence: missense variant.
Genome position (GRCh38, 1-based): chr12:112,488,490, T>C. VCF-style: chr12-112488490-T-C. GRCh37 (hg19) VCF-style: chr12-112926294-T-C.
Other names: c.1439T>C, p.Ile480Thr (NM_001330437.2); c.1424T>C, p.Ile475Thr (NM_001374625.1); short protein forms I475T, I476T, I480T.
Identifiers: ClinVar variation 4803096 (VCV004803096.1).